The following is an entry in ClinVar:

ClinVar aggregate classification (germline): Uncertain significance (1 of 4 stars; one submission).

Conditions:
Creatine transporter deficiency (CCDS1). Also called: Mental retardation , X-linked with seizures, short stature and midface hypoplasia; Mental retardation , X-linked, with creatine transport deficiency; X-linked creatine transporter deficiency; X-linked creatine deficiency syndrome; SLC6A8-Related Creatine Transporter Deficiency; CREATINE TRANSPORTER DEFECT. Identifiers: Orphanet 52503, MedGen C1845862, MONDO:0010305, OMIM 300352.

Submission:

Labcorp Genetics (formerly Invitae), Labcorp
Classification: Uncertain significance for Creatine transporter deficiency. Last evaluated: 2022-09-23. Review status: criteria provided, single submitter. Criteria: Invitae Variant Classification Sherloc (09022015). Collection method: clinical testing. Allele origin: germline.
Comment: This sequence change replaces isoleucine, which is neutral and non-polar, with valine, which is neutral and non-polar, at codon 290 of the SLC6A8 protein (p.Ile290Val). This variant is not present in population databases (gnomAD no frequency). This variant has not been reported in the literature in individuals affected with SLC6A8-related conditions. Advanced modeling of protein sequence and biophysical properties (such as structural, functional, and spatial information, amino acid conservation, physicochemical variation, residue mobility, and thermodynamic stability) performed at Invitae indicates that this missense variant is not expected to disrupt SLC6A8 protein function. In summary, the available evidence is currently insufficient to determine the role of this variant in disease. Therefore, it has been classified as a Variant of Uncertain Significance.

NM_005629.4(SLC6A8):c.868A>G (p.Ile290Val)

Gene: SLC6A8 (solute carrier family 6 member 8; plus strand). Cytogenetic location: Xq28.
Variant type: single nucleotide variant.
Coding change: c.868A>G on transcript NM_005629.4 (MANE Select); coding-DNA position 868, A replaced by G.
Protein change: p.Ile290Val; replaces isoleucine 290 with valine.
Molecular consequence: missense variant.
Genome position (GRCh38, 1-based): chrX:153,693,131, A>G. VCF-style: chrX-153693131-A-G. GRCh37 (hg19) VCF-style: chrX-152958586-A-G.
Other names: c.868A>G, p.Ile290Val (NM_001142805.2); c.523A>G, p.Ile175Val (NM_001142806.1); short protein forms I175V, I290V.
Identifiers: ClinVar variation 1715289 (VCV001715289.5), dbSNP rs2522162092, ClinGen allele CA415083987.